The following is an entry in ClinVar:

NM_001267550.2(TTN):c.100389C>T (p.Tyr33463=)

Genes: TTN (titin; minus strand), TTN-AS1 (TTN antisense RNA 1; plus strand). Cytogenetic location: 2q31.2.
Variant type: single nucleotide variant.
Coding change: c.100389C>T on transcript NM_001267550.2 (MANE Select); coding-DNA position 100389, C replaced by T.
Protein change: p.Tyr33463=; no amino-acid change (tyrosine 33463 retained).
Molecular consequence: synonymous variant.
Genome position (GRCh38, 1-based): chr2:178,536,358, G>A on the plus strand (C>T on the coding strand, the complement: TTN is on the minus strand). VCF-style: chr2-178536358-G-A. GRCh37 (hg19) VCF-style: chr2-179401085-G-A.
Other names: c.95466C>T, p.Tyr31822= (NM_001256850.1); c.73194C>T, p.Tyr24398= (NM_003319.4); c.73569C>T, p.Tyr24523= (NM_133432.3); c.73770C>T, p.Tyr24590= (NM_133437.4); c.92685C>T, p.Tyr30895= (NM_133378.4).
Identifiers: ClinVar variation 228174 (VCV000228174.50), dbSNP rs368984050, ClinGen allele CA1986037.

ClinVar aggregate classification (germline): Likely benign. Review status: criteria provided, multiple submitters, no conflicts (2 of 4 stars). 9 submissions from 9 submitters: Likely benign (8). 1 of the submissions does not count toward it. Last evaluated 2026-09-21.

Conditions:
TTN-related disorder. Also called: TTN-related disorders; TTN-related condition; TTN-related disease.
Cardiovascular phenotype. Identifiers: MedGen CN230736.
Autosomal recessive limb-girdle muscular dystrophy type 2J (LGMDR10). Also called: Limb-girdle muscular dystrophy, type 2J; MUSCULAR DYSTROPHY, LIMB-GIRDLE, AUTOSOMAL RECESSIVE 10. Identifiers: Orphanet 140922, MedGen C1837342, MONDO:0012127, OMIM 608807.
Dilated cardiomyopathy 1G (CMD1G). Identifiers: Orphanet 154, MedGen C1858763, MONDO:0011400, OMIM 604145.
Cardiomyopathy (CMYO). Also called: Cardiomyopathies. Identifiers: Orphanet 167848, MedGen C0878544, MONDO:0004994, HP:0001638. Inheritance: Various modes of inheritance.

Allele frequency attached by ClinVar (database versions not stated): gnomAD exomes 0.00004 and 0.00007; ExAC 0.00009; ESP Exome Variant Server 0.00017; gnomAD 0.00023 and 0.00025; TOPMed 0.00024; 1000 Genomes Project 30x 0.00031; 1000 Genomes Project 0.00040.
gnomAD v4.1: 91 of 1,613,674 alleles (0.0056%); highest among the groups gnomAD compares: African/African-American, 0.071%; no homozygotes.

Submissions (9):

Molecular Diagnostic Laboratory for Inherited Cardiovascular Disease, Montreal Heart Institute
Classification: Likely benign. Last evaluated: 2026-09-21. Review status: criteria provided, single submitter. Criteria: ACMG Guidelines, 2015. Collection method: clinical testing. Allele origin: germline. Affected: no.

CeGaT Center for Human Genetics Tuebingen
Classification: Likely benign. Last evaluated: 2026-08-01. Review status: criteria provided, single submitter. Criteria: CeGaT Center For Human Genetics Tuebingen Variant Classification Criteria Version 2. Collection method: clinical testing. Allele origin: germline. Affected: yes. Observed: 5 variant alleles.
Comment: TTN: BP4, BP7

Labcorp Genetics (formerly Invitae), Labcorp
Classification: Likely benign for Dilated cardiomyopathy 1G; Autosomal recessive limb-girdle muscular dystrophy type 2J. Last evaluated: 2026-01-06. Review status: criteria provided, single submitter. Criteria: Invitae Variant Classification Sherloc (09022015). Collection method: clinical testing. Allele origin: germline.

Revvity Omics, Revvity
Classification: Likely benign. Last evaluated: 2024-09-20. Review status: criteria provided, single submitter. Criteria: ACMG Guidelines, 2015. Collection method: clinical testing. Allele origin: germline.

CHEO Genetics Diagnostic Laboratory, Children's Hospital of Eastern Ontario
Classification: Likely benign for Cardiomyopathy. Last evaluated: 2021-09-30. Review status: criteria provided, single submitter. Criteria: ACMG Guidelines, 2015. Collection method: clinical testing. Allele origin: germline.

Blueprint Genetics
Classification: Likely benign. Last evaluated: 2020-12-31. Review status: criteria provided, single submitter. Criteria: ACMG Guidelines, 2015. Collection method: clinical testing. Allele origin: germline.

Ambry Genetics
Classification: Likely benign for Cardiovascular phenotype. Last evaluated: 2019-10-08. Review status: criteria provided, single submitter. Criteria: Ambry Variant Classification Scheme 2023. Collection method: clinical testing. Allele origin: germline.

Laboratory for Molecular Medicine, Mass General Brigham Personalized Medicine
Classification: Likely benign. Last evaluated: 2015-08-21. Review status: criteria provided, single submitter. Criteria: LMM Criteria. Collection method: clinical testing. Allele origin: germline. Observed: 1 variant allele.
Comment: p.Tyr30895Tyr in exon 306 of TTN: This variant is not expected to have clinical significance because it does not alter an amino acid residue and is not located within the splice consensus sequence. It has been identified in 0.1% (10/9752) o f African chromosomes by the Exome Aggregation Consortium (ExAC).

PreventionGenetics, part of Exact Sciences
Classification: Likely benign for TTN-related condition. Last evaluated: 2020-01-28. Review status: no assertion criteria provided. Collection method: clinical testing. Allele origin: germline. Not counted in ClinVar's aggregate classification.
Comment: This variant is classified as likely benign based on ACMG/AMP sequence variant interpretation guidelines (Richards et al. 2015 PMID: 25741868, with internal and published modifications).